The following is an entry in ClinVar:

ClinVar aggregate classification (germline): Uncertain significance (1 of 4 stars; one submission).

Allele frequency attached by ClinVar (database versions not stated): gnomAD exomes below 0.00001.

Submission:

Labcorp Genetics (formerly Invitae), Labcorp
Classification: Uncertain significance. Last evaluated: 2024-10-24. Review status: criteria provided, single submitter. Criteria: Invitae Variant Classification Sherloc (09022015). Collection method: clinical testing. Allele origin: germline.
Comment: This sequence change replaces alanine, which is neutral and non-polar, with threonine, which is neutral and polar, at codon 1793 of the ATR protein (p.Ala1793Thr). This variant is not present in population databases (gnomAD no frequency). This variant has not been reported in the literature in individuals affected with ATR-related conditions. ClinVar contains an entry for this variant (Variation ID: 1931704). An algorithm developed to predict the effect of missense changes on protein structure and function outputs the following: PolyPhen-2: "Benign". The threonine amino acid residue is found in multiple mammalian species, which suggests that this missense change does not adversely affect protein function. In summary, the available evidence is currently insufficient to determine the role of this variant in disease. Therefore, it has been classified as a Variant of Uncertain Significance.

NM_001184.4(ATR):c.5377G>A (p.Ala1793Thr)

Gene: ATR (ATR checkpoint kinase; minus strand). Cytogenetic location: 3q23.
Variant type: single nucleotide variant.
Coding change: c.5377G>A on transcript NM_001184.4 (MANE Select); coding-DNA position 5377, G replaced by A.
Protein change: p.Ala1793Thr; replaces alanine 1793 with threonine.
Molecular consequence: missense variant.
Genome position (GRCh38, 1-based): chr3:142,499,630, C>T on the plus strand (G>A on the coding strand, the complement: ATR is on the minus strand). VCF-style: chr3-142499630-C-T. GRCh37 (hg19) VCF-style: chr3-142218472-C-T.
Other names: c.5185G>A, p.Ala1729Thr (NM_001354579.2); short protein forms A1793T, A1729T.
Identifiers: ClinVar variation 1931704 (VCV001931704.5), dbSNP rs2473169534, ClinGen allele CA354816676.